The following is an entry in ClinVar:

ClinVar aggregate classification (germline): Uncertain significance (1 of 4 stars; one submission).

gnomAD v4.1: 1 of 1,608,484 alleles (0.000062%); highest among the groups gnomAD compares: Non-Finnish European, 0.000085%; no homozygotes.

Submission:

Ambry Genetics
Classification: Uncertain significance. Last evaluated: 2025-11-21. Review status: criteria provided, single submitter. Criteria: Ambry Variant Classification Scheme 2023. Collection method: clinical testing. Allele origin: germline.
Comment: The p.R159L variant (also known as c.476G>T), located in coding exon 5 of the RAD51B gene, results from a G to T substitution at nucleotide position 476. The arginine at codon 159 is replaced by leucine, an amino acid with dissimilar properties. This amino acid position is highly conserved in available vertebrate species. In addition, this alteration is predicted to be deleterious by in silico analysis. The evidence for this gene-disease relationship is limited; therefore, the clinical significance of this alteration is unclear.

NM_133510.4(RAD51B):c.476G>T (p.Arg159Leu)

Gene: RAD51B (RAD51 paralog B; plus strand). Cytogenetic location: 14q24.1.
Variant type: single nucleotide variant.
Coding change: c.476G>T on transcript NM_133510.4 (MANE Select); coding-DNA position 476, G replaced by T.
Protein change: p.Arg159Leu; replaces arginine 159 with leucine.
Molecular consequence: missense variant.
Genome position (GRCh38, 1-based): chr14:67,885,892, G>T. VCF-style: chr14-67885892-G-T. GRCh37 (hg19) VCF-style: chr14-68352609-G-T.
Other names: c.476G>T, p.Arg159Leu (NM_001321809.2, NM_001321810.2, NM_001321812.1 and 6 more transcripts); c.362G>T, p.Arg121Leu (NM_001321815.1); c.119G>T, p.Arg40Leu (NM_001321817.2); short protein forms R159L, R40L, R121L.
Identifiers: ClinVar variation 4575272 (VCV004575272.1).